The following is an entry in ClinVar:

ClinVar aggregate classification (germline): Uncertain significance. Review status: criteria provided, multiple submitters, no conflicts (2 of 4 stars). 4 submissions from 4 submitters: Uncertain significance (4). Last evaluated 2026-04-12.

Conditions:
Cardiovascular phenotype. Identifiers: MedGen CN230736.

Allele frequency attached by ClinVar (database versions not stated): gnomAD exomes 0.00001; TOPMed 0.00001; ExAC 0.00002; gnomAD 0.00001.
gnomAD v4.1: 21 of 1,613,890 alleles (0.0013%); highest among the groups gnomAD compares: Non-Finnish European, 0.0017%; no homozygotes.

Submissions (4):

GeneDx
Classification: Uncertain significance. Last evaluated: 2026-04-12. Review status: criteria provided, single submitter. Criteria: GeneDx Variant Classification Process June 2021. Collection method: clinical testing. Allele origin: germline.
Comment: Not observed at significant frequency in large population cohorts (gnomAD); In silico analysis suggests that this missense variant does not alter protein structure/function; Has not been previously published as pathogenic or benign to our knowledge

Dasa
Classification: Uncertain significance. Last evaluated: 2025-09-23. Review status: criteria provided, single submitter. Criteria: DASA Assertion Criteria. Collection method: clinical testing. Allele origin: germline.
Comment: NM_020778.5(ALPK3):c.4744G>A (p.Asp1582Asn) is a missense variant that results in the substitution of aspartic acid with asparagine. This variant is rare in population databases. Computational prediction algorithms are consistent with a benign effect. The currently available literature and clinical evidence are not sufficient to establish a definitive association between this variant and the reported condition. Therefore, this variant is classified as a variant of uncertain significance.

Ambry Genetics
Classification: Uncertain significance for Cardiovascular phenotype. Last evaluated: 2022-11-21. Review status: criteria provided, single submitter. Criteria: Ambry Variant Classification Scheme 2023. Collection method: clinical testing. Allele origin: germline.
Comment: The p.D1784N variant (also known as c.5350G>A), located in coding exon 13 of the ALPK3 gene, results from a G to A substitution at nucleotide position 5350. The aspartic acid at codon 1784 is replaced by asparagine, an amino acid with highly similar properties. This amino acid position is well conserved in available vertebrate species; however, asparagine is the reference amino acid in other vertebrate species. In addition, this alteration is predicted to be tolerated by in silico analysis. Since supporting evidence is limited at this time, the clinical significance of this alteration remains unclear.

Labcorp Genetics (formerly Invitae), Labcorp
Classification: Uncertain significance. Last evaluated: 2022-09-15. Review status: criteria provided, single submitter. Criteria: Invitae Variant Classification Sherloc (09022015). Collection method: clinical testing. Allele origin: germline.
Comment: Algorithms developed to predict the effect of missense changes on protein structure and function (SIFT, PolyPhen-2, Align-GVGD) all suggest that this variant is likely to be tolerated. This sequence change replaces aspartic acid, which is acidic and polar, with asparagine, which is neutral and polar, at codon 1784 of the ALPK3 protein (p.Asp1784Asn). This variant is present in population databases (rs774656964, gnomAD 0.0009%). This variant has not been reported in the literature in individuals affected with ALPK3-related conditions. In summary, the available evidence is currently insufficient to determine the role of this variant in disease. Therefore, it has been classified as a Variant of Uncertain Significance.

NM_020778.5(ALPK3):c.4744G>A (p.Asp1582Asn)

Gene: ALPK3 (alpha kinase 3; plus strand). Cytogenetic location: 15q25.3.
Variant type: single nucleotide variant.
Coding change: c.4744G>A on transcript NM_020778.5 (MANE Select); coding-DNA position 4744, G replaced by A.
Protein change: p.Asp1582Asn; replaces aspartic acid 1582 with asparagine.
Molecular consequence: missense variant.
Genome position (GRCh38, 1-based): chr15:84,867,337, G>A. VCF-style: chr15-84867337-G-A. GRCh37 (hg19) VCF-style: chr15-85410568-G-A.
Other names: short protein forms D1582N.
Identifiers: ClinVar variation 1747013 (VCV001747013.11), dbSNP rs774656964, ClinGen allele CA7710075.